The following is an entry in ClinVar:

NM_005055.5(RAPSN):c.662G>A (p.Arg221His)

Gene: RAPSN (receptor associated protein of the synapse; minus strand). Cytogenetic location: 11p11.2.
Variant type: single nucleotide variant.
Coding change: c.662G>A on transcript NM_005055.5 (MANE Select); coding-DNA position 662, G replaced by A.
Protein change: p.Arg221His; replaces arginine 221 with histidine.
Molecular consequence: missense variant.
Genome position (GRCh38, 1-based): chr11:47,442,684, C>T on the plus strand (G>A on the coding strand, the complement: RAPSN is on the minus strand). VCF-style: chr11-47442684-C-T. GRCh37 (hg19) VCF-style: chr11-47464236-C-T.
Other names: c.662G>A, p.Arg221His (NM_032645.5); short protein forms R221H.
Identifiers: ClinVar variation 476124 (VCV000476124.8), dbSNP rs1377574572, ClinGen allele CA380331735.

ClinVar aggregate classification (germline): Conflicting classifications of pathogenicity. Review status: criteria provided, conflicting classifications (1 of 4 stars). 3 submissions from 3 submitters: Uncertain significance (1); Likely benign (1). 1 of the submissions does not count toward it. Last evaluated 2025-08-19.

Conditions:
Inborn genetic diseases. Identifiers: MedGen C0950123, MeSH D030342.
Fetal akinesia deformation sequence 1 (FADS1). Also called: Pena-Shokeir syndrome type I; Fetal akinesia sequence. Identifiers: Orphanet 994, MedGen C1276035, MONDO:0100101, OMIM 208150, HP:0001989.
Congenital myasthenic syndrome 11. Also called: MYASTHENIC SYNDROME, CONGENITAL, Ie; Myasthenic syndrome, congenital, 11, associated with acetylcholine receptor deficiency. Identifiers: Orphanet 590, MedGen C4225367, MONDO:0014588, OMIM 616326.
Congenital myasthenic syndrome (CMS). Also called: Congenital Myasthenic Syndromes. Identifiers: Orphanet 590, MedGen C0751882, MeSH D020294, MONDO:0018940.

Allele frequency attached by ClinVar (database versions not stated): gnomAD exomes 0.00001; TOPMed 0.00001.
gnomAD v4.1: 20 of 1,614,208 alleles (0.0012%); highest among the groups gnomAD compares: Middle Eastern, 0.083%; no homozygotes.

Submissions (3):

Ambry Genetics
Classification: Likely benign for Inborn genetic diseases. Last evaluated: 2025-08-19. Review status: criteria provided, single submitter. Criteria: Ambry Variant Classification Scheme 2023. Collection method: clinical testing. Allele origin: germline.

Labcorp Genetics (formerly Invitae), Labcorp
Classification: Uncertain significance for Congenital myasthenic syndrome 11; Fetal akinesia deformation sequence 1. Last evaluated: 2022-05-05. Review status: criteria provided, single submitter. Criteria: Invitae Variant Classification Sherloc (09022015). Collection method: clinical testing. Allele origin: germline.
Comment: This sequence change replaces arginine, which is basic and polar, with histidine, which is basic and polar, at codon 221 of the RAPSN protein (p.Arg221His). This variant is present in population databases (no rsID available, gnomAD 0.003%). This variant has not been reported in the literature in individuals affected with RAPSN-related conditions. ClinVar contains an entry for this variant (Variation ID: 476124). Algorithms developed to predict the effect of missense changes on protein structure and function output the following: SIFT: "Tolerated"; PolyPhen-2: "Benign"; Align-GVGD: "Class C0". The histidine amino acid residue is found in multiple mammalian species, which suggests that this missense change does not adversely affect protein function. In summary, the available evidence is currently insufficient to determine the role of this variant in disease. Therefore, it has been classified as a Variant of Uncertain Significance.

Natera, Inc.
Classification: Uncertain significance for Congenital myasthenic syndrome. Last evaluated: 2020-02-26. Review status: no assertion criteria provided. Collection method: clinical testing. Allele origin: germline. Not counted in ClinVar's aggregate classification.